The following is an entry in ClinVar:

ClinVar aggregate classification (germline): Uncertain significance. Review status: criteria provided, multiple submitters, no conflicts (2 of 4 stars). 2 submissions from 2 submitters: Uncertain significance (2). Last evaluated 2025-10-29.

Allele frequency attached by ClinVar (database versions not stated): TOPMed 0.00006; ExAC 0.00009; gnomAD 0.00009; gnomAD exomes 0.00009 and 0.00011; ESP Exome Variant Server 0.00015.
gnomAD v4.1: 152 of 1,613,898 alleles (0.0094%); highest among the groups gnomAD compares: Non-Finnish European, 0.012%; no homozygotes.

Submissions (2):

Labcorp Genetics (formerly Invitae), Labcorp
Classification: Uncertain significance. Last evaluated: 2025-10-29. Review status: criteria provided, single submitter. Criteria: Invitae Variant Classification Sherloc (09022015). Collection method: clinical testing. Allele origin: germline.
Comment: This sequence change replaces valine, which is neutral and non-polar, with isoleucine, which is neutral and non-polar, at codon 368 of the TAOK2 protein (p.Val368Ile). This variant is present in population databases (rs375972588, gnomAD 0.02%). This variant has not been reported in the literature in individuals affected with TAOK2-related conditions. ClinVar contains an entry for this variant (Variation ID: 1351560). An algorithm developed to predict the effect of missense changes on protein structure and function (PolyPhen-2) suggests that this variant is likely to be disruptive. In summary, the available evidence is currently insufficient to determine the role of this variant in disease. Therefore, it has been classified as a Variant of Uncertain Significance.

Ambry Genetics
Classification: Uncertain significance. Last evaluated: 2025-08-20. Review status: criteria provided, single submitter. Criteria: Ambry Variant Classification Scheme 2023. Collection method: clinical testing. Allele origin: germline.

NM_016151.4(TAOK2):c.1102G>A (p.Val368Ile)

Gene: TAOK2 (TAO kinase 2; plus strand). Cytogenetic location: 16p11.2.
Variant type: single nucleotide variant.
Coding change: c.1102G>A on transcript NM_016151.4 (MANE Select); coding-DNA position 1102, G replaced by A.
Protein change: p.Val368Ile; replaces valine 368 with isoleucine.
Molecular consequence: missense variant.
Genome position (GRCh38, 1-based): chr16:29,983,174, G>A. VCF-style: chr16-29983174-G-A. GRCh37 (hg19) VCF-style: chr16-29994495-G-A.
Other names: c.1102G>A (NM_016151.2); c.1102G>A, p.Val368Ile (NM_001252043.2, NM_004783.4); short protein forms V368I.
Identifiers: ClinVar variation 1351560 (VCV001351560.8), dbSNP rs375972588, ClinGen allele CA7998042.